The following is an entry in ClinVar:

NM_020366.4(RPGRIP1):c.903_906+17del

Gene: RPGRIP1 (RPGR interacting protein 1; plus strand). Cytogenetic location: 14q11.2.
Variant type: Deletion.
Coding change: c.903_906+17del on transcript NM_020366.4 (MANE Select); coding-DNA position 903 through 17 bases into the intron after coding-DNA position 906, 21 bases deleted (AGAGGTGAGTTGCCATCATCA).
Molecular consequence: splice donor variant.
Genome position (GRCh38, 1-based): chr14:21,307,833-21,307,853, AGAGGTGAGTTGCCATCATCA deleted; deleting any 21 consecutive bases within chr14:21,307,830-21,307,853 gives the same sequence; the c. name uses the placement nearest the transcript's 3' end. VCF-style (leftmost placement, unchanged base first): chr14-21307829-TTCAAGAGGTGAGTTGCCATCA-T. GRCh37 (hg19) VCF-style: chr14-21775988-TTCAAGAGGTGAGTTGCCATCA-T.
Other names: c.900_906+14delTCAAGAGGTGAGTTGCCATCA (NM_020366.3).
Identifiers: ClinVar variation 266116 (VCV000266116.3), dbSNP rs886039911, ClinGen allele CA10588989.

ClinVar aggregate classification (germline): Likely pathogenic (0 of 4 stars; one submission).

Conditions:
Leber congenital amaurosis 6 (LCA6). Identifiers: Orphanet 65, MedGen C1854260, MONDO:0013446, OMIM 613826.

Submission:

Diagnostics Division, CENTRE FOR DNA FINGERPRINTING AND DIAGNOSTICS
Classification: Likely pathogenic for Leber congenital amaurosis 6. Last evaluated: 2016-01-01. Review status: no assertion criteria provided. Collection method: research. Allele origin: germline. Affected: yes. Observed: 1 homozygote.
Comment: Indel variant